The following is an entry in ClinVar:

NM_178526.5(SLC25A42):c.837C>T (p.Gly279=)

Gene: SLC25A42 (solute carrier family 25 member 42; plus strand). Cytogenetic location: 19p13.11.
Variant type: single nucleotide variant.
Coding change: c.837C>T on transcript NM_178526.5 (MANE Select); coding-DNA position 837, C replaced by T.
Protein change: p.Gly279=; no amino-acid change (glycine 279 retained).
Molecular consequence: synonymous variant.
Genome position (GRCh38, 1-based): chr19:19,110,756, C>T. VCF-style: chr19-19110756-C-T. GRCh37 (hg19) VCF-style: chr19-19221565-C-T.
Other names: c.837C>T, p.Gly279= (NM_001321544.2).
Identifiers: ClinVar variation 3045155 (VCV003045155.2), dbSNP rs746409487, ClinGen allele CA9321579.

ClinVar aggregate classification (germline): Likely benign (0 of 4 stars; one submission).

Conditions:
SLC25A42-related disorder. Also called: SLC25A42-related condition.

Allele frequency attached by ClinVar (database versions not stated): ExAC 0.00001; gnomAD exomes 0.00001.
gnomAD v4.1: 19 of 1,612,880 alleles (0.0012%); highest among the groups gnomAD compares: Non-Finnish European, 0.0016%; no homozygotes.

Submission:

PreventionGenetics, part of Exact Sciences
Classification: Likely benign for SLC25A42-related condition. Last evaluated: 2019-02-20. Review status: no assertion criteria provided. Collection method: clinical testing. Allele origin: germline.
Comment: This variant is classified as likely benign based on ACMG/AMP sequence variant interpretation guidelines (Richards et al. 2015 PMID: 25741868, with internal and published modifications).